The following is an entry in ClinVar:

ClinVar aggregate classification (germline): Uncertain significance (1 of 4 stars; one submission).

Conditions:
Townes syndrome (TBS). Also called: Townes-Brocks syndrome. Identifiers: Orphanet 857, MedGen C0265246, MeSH C536974, MONDO:0007142.

Allele frequency attached by ClinVar (database versions not stated): gnomAD 0.00001; gnomAD exomes below 0.00001; TOPMed 0.00002.
gnomAD v4.1: 5 of 1,595,750 alleles (0.00031%); highest among the groups gnomAD compares: African/African-American, 0.0067%; no homozygotes.

Submission:

Labcorp Genetics (formerly Invitae), Labcorp
Classification: Uncertain significance for Townes syndrome. Last evaluated: 2025-12-15. Review status: criteria provided, single submitter. Criteria: Invitae Variant Classification Sherloc (09022015). Collection method: clinical testing. Allele origin: germline.
Comment: This sequence change replaces arginine, which is basic and polar, with leucine, which is neutral and non-polar, at codon 24 of the SALL1 protein (p.Arg24Leu). The frequency data for this variant in the population databases is considered unreliable, as metrics indicate poor data quality at this position in the gnomAD database. This variant has not been reported in the literature in individuals affected with SALL1-related conditions. ClinVar contains an entry for this variant (Variation ID: 2856402). An algorithm developed to predict the effect of missense changes on protein structure and function (PolyPhen-2) suggests that this variant is likely to be tolerated. In summary, the available evidence is currently insufficient to determine the role of this variant in disease. Therefore, it has been classified as a Variant of Uncertain Significance.

NM_002968.3(SALL1):c.71G>T (p.Arg24Leu)

Gene: SALL1 (spalt like transcription factor 1; minus strand). Cytogenetic location: 16q12.1.
Variant type: single nucleotide variant.
Coding change: c.71G>T on transcript NM_002968.3 (MANE Select); coding-DNA position 71, G replaced by T.
Protein change: p.Arg24Leu; replaces arginine 24 with leucine.
Molecular consequence: missense variant.
Genome position (GRCh38, 1-based): chr16:51,151,171, C>A on the plus strand (G>T on the coding strand, the complement: SALL1 is on the minus strand). VCF-style: chr16-51151171-C-A. GRCh37 (hg19) VCF-style: chr16-51185082-C-A.
Other names: short protein forms R24L.
Identifiers: ClinVar variation 2856402 (VCV002856402.3), dbSNP rs1445941318, ClinGen allele CA395879261.
Genomic context (GRCh38, chr16:51,151,171, plus strand): 5'-GTGCGTGAGTGTGAGTGCGTGTGTGTGTGTCCACGGCGCGGGCCGGAGCACTCACCATCT[C>A]GCCGGGGGAGCGAGGCCACTTCGGGGTCGGATTGGAAATGTTGAGGCTTCGCTTGCTTCC-3'
Protein context (NP_002959.2, residues 14-34): SDPEVASLPR[Arg24Leu]DGDTEKGQPS